The following is an entry in ClinVar:

NM_004589.4(SCO1):c.29G>T (p.Arg10Leu)

Genes: SCO1 (synthesis of cytochrome C oxidase 1; minus strand), LOC112529895 (Sharpr-MPRA regulatory region 5903; plus strand). Cytogenetic location: 17p13.1.
Variant type: single nucleotide variant.
Coding change: c.29G>T on transcript NM_004589.4 (MANE Select); coding-DNA position 29, G replaced by T.
Protein change: p.Arg10Leu; replaces arginine 10 with leucine.
Molecular consequence: missense variant.
Genome position (GRCh38, 1-based): chr17:10,697,479, C>A on the plus strand (G>T on the coding strand, the complement: SCO1 is on the minus strand). VCF-style: chr17-10697479-C-A. GRCh37 (hg19) VCF-style: chr17-10600796-C-A.
Other names: short protein forms R10L.
Identifiers: ClinVar variation 889504 (VCV000889504.8), dbSNP rs770075115, ClinGen allele CA8393724.

ClinVar aggregate classification (germline): Uncertain significance. Review status: criteria provided, multiple submitters, no conflicts (2 of 4 stars). 4 submissions from 3 submitters: Uncertain significance (4). Last evaluated 2025-08-21.

Conditions:
Mitochondrial complex IV deficiency, nuclear type 4. Also called: Mitochondrial complex 4 deficiency, nuclear type 4. Identifiers: MedGen C5436683, MONDO:0033636, OMIM 619048.
Leigh syndrome (NULS). Also called: Leigh's syndrome; Leigh Disease; Subacute necrotizing encephalopathy; Necrotizing encephalopathy infantile subacute of Leigh; LEIGH SYNDROME, NUCLEAR; Leigh's necrotizing encephalopathy. Identifiers: Orphanet 506, MedGen C2931891, MONDO:0009723, OMIM 256000.
Mitochondrial complex IV deficiency, nuclear type 1 (MC4DN1). Also called: COX DEFICIENCY; Mitochondrial complex IV deficiency; Complex 4 mitochondrial respiratory chain deficiency; Deficiency of mitochondrial respiratory chain complex4; Complex IV deficiency. Identifiers: MedGen C5435656, MONDO:0700250, OMIM 220110. Disease mechanism: loss of function.

Allele frequency attached by ClinVar (database versions not stated): gnomAD 0.00001 and 0.00002; TOPMed 0.00004.
gnomAD v4.1: 37 of 1,613,358 alleles (0.0023%); highest among the groups gnomAD compares: East Asian, 0.08%; no homozygotes.

Submissions (4):

Labcorp Genetics (formerly Invitae), Labcorp
Classification: Uncertain significance. Last evaluated: 2025-08-21. Review status: criteria provided, single submitter. Criteria: Invitae Variant Classification Sherloc (09022015). Collection method: clinical testing. Allele origin: germline.
Comment: This sequence change replaces arginine, which is basic and polar, with leucine, which is neutral and non-polar, at codon 10 of the SCO1 protein (p.Arg10Leu). This variant is present in population databases (rs770075115, gnomAD 0.03%). This variant has not been reported in the literature in individuals affected with SCO1-related conditions. ClinVar contains an entry for this variant (Variation ID: 889504). An algorithm developed to predict the effect of missense changes on protein structure and function (PolyPhen-2) suggests that this variant is likely to be tolerated. In summary, the available evidence is currently insufficient to determine the role of this variant in disease. Therefore, it has been classified as a Variant of Uncertain Significance.

Fulgent Genetics
Classification: Uncertain significance for Mitochondrial complex IV deficiency, nuclear type 4. Last evaluated: 2024-06-24. Review status: criteria provided, single submitter. Criteria: ACMG Guidelines, 2015. Collection method: clinical testing. Allele origin: germline.

Illumina Laboratory Services, Illumina
Classification: Uncertain significance for Leigh syndrome. Last evaluated: 2018-04-20. Review status: criteria provided, single submitter. Criteria: ICSL Variant Classification Criteria 13 December 2019. Collection method: clinical testing. Allele origin: germline.

Illumina Laboratory Services, Illumina
Classification: Uncertain significance for Mitochondrial complex IV deficiency, nuclear type 1. Last evaluated: 2018-04-20. Review status: criteria provided, single submitter. Criteria: ICSL Variant Classification Criteria 13 December 2019. Collection method: clinical testing. Allele origin: germline.